The following is an entry in ClinVar:

NM_001353345.2(SETD1B):c.1962T>C (p.Ala654=)

Gene: SETD1B (SET domain containing 1B, histone lysine methyltransferase; plus strand). Cytogenetic location: 12q24.31.
Variant type: single nucleotide variant.
Coding change: c.1962T>C on transcript NM_001353345.2 (MANE Select); coding-DNA position 1962, T replaced by C.
Protein change: p.Ala654=; no amino-acid change (alanine 654 retained).
Molecular consequence: synonymous variant.
Genome position (GRCh38, 1-based): chr12:121,814,177, T>C. VCF-style: chr12-121814177-T-C. GRCh37 (hg19) VCF-style: chr12-122252083-T-C.
Identifiers: ClinVar variation 3026062 (VCV003026062.22), dbSNP rs2137560071, ClinGen allele CA482188470.
Genomic context (GRCh38, chr12:121,814,177, plus strand): 5'-CTCAGGCGAGGACATGGAGATCTCGGATGACGAGATGCCCTCGGCCCCCATCACCAGCGC[T>C]GACTGCCCCAAGCCCATGGTGGTGACCCCAGGAGCGGCAGCCGTGGCAGCCCCTTCTGTG-3'
Protein context (NP_001340274.1, residues 644-664): DEMPSAPITS[Ala654=]DCPKPMVVTP

ClinVar aggregate classification (germline): Likely benign (1 of 4 stars; one submission).

Submission:

CeGaT Center for Human Genetics Tuebingen
Classification: Likely benign. Last evaluated: 2024-02-01. Review status: criteria provided, single submitter. Criteria: CeGaT Center For Human Genetics Tuebingen Variant Classification Criteria Version 2. Collection method: clinical testing. Allele origin: germline. Affected: yes. Observed: 1 variant allele.
Comment: SETD1B: PM2:Supporting, BP4, BP7